The following is an entry in ClinVar:

NM_054012.4(ASS1):c.586G>A (p.Glu196Lys)

Gene: ASS1 (argininosuccinate synthase 1; plus strand). Cytogenetic location: 9q34.11.
Variant type: single nucleotide variant.
Coding change: c.586G>A on transcript NM_054012.4 (MANE Select); coding-DNA position 586, G replaced by A.
Protein change: p.Glu196Lys; replaces glutamic acid 196 with lysine.
Molecular consequence: missense variant.
Genome position (GRCh38, 1-based): chr9:130,471,504, G>A. VCF-style: chr9-130471504-G-A. GRCh37 (hg19) VCF-style: chr9-133346891-G-A.
Other names: c.586G>A, p.Glu196Lys (NM_000050.4); short protein forms E196K.
Identifiers: ClinVar variation 945602 (VCV000945602.8), dbSNP rs1845865147, ClinGen allele CA375227514.

ClinVar aggregate classification (germline): Uncertain significance (1 of 4 stars; one submission).

Conditions:
Citrullinemia. Identifiers: Orphanet 187, MedGen C0175683, MONDO:0015991.

gnomAD v4.1: 1 of 1,614,106 alleles (0.000062%); highest among the groups gnomAD compares: Non-Finnish European, 0.000085%; no homozygotes.

Submission:

Labcorp Genetics (formerly Invitae), Labcorp
Classification: Uncertain significance for Citrullinemia. Last evaluated: 2019-07-21. Review status: criteria provided, single submitter. Criteria: Invitae Variant Classification Sherloc (09022015). Collection method: clinical testing. Allele origin: germline.
Comment: In summary, the available evidence is currently insufficient to determine the role of this variant in disease. Therefore, it has been classified as a Variant of Uncertain Significance. Algorithms developed to predict the effect of missense changes on protein structure and function are either unavailable or do not agree on the potential impact of this missense change (SIFT: "Deleterious"; PolyPhen-2: "Benign"; Align-GVGD: "Class C0"). This variant has not been reported in the literature in individuals with ASS1-related conditions. This variant is not present in population databases (ExAC no frequency). This sequence change replaces glutamic acid with lysine at codon 196 of the ASS1 protein (p.Glu196Lys). The glutamic acid residue is highly conserved and there is a small physicochemical difference between glutamic acid and lysine.